The following is an entry in ClinVar:

NM_001371986.1(UNC80):c.6391C>A (p.Arg2131=)

Gene: UNC80 (unc-80 subunit of NALCN channel complex; plus strand). Cytogenetic location: 2q34.
Variant type: single nucleotide variant.
Coding change: c.6391C>A on transcript NM_001371986.1 (MANE Select); coding-DNA position 6391, C replaced by A.
Protein change: p.Arg2131=; no amino-acid change (arginine 2131 retained).
Molecular consequence: synonymous variant.
Genome position (GRCh38, 1-based): chr2:209,937,556, C>A. VCF-style: chr2-209937556-C-A. GRCh37 (hg19) VCF-style: chr2-210802280-C-A.
Other names: c.6193C>A, p.Arg2065= (NM_032504.2); c.6178C>A, p.Arg2060= (NM_182587.4).
Identifiers: ClinVar variation 3010956 (VCV003010956.3), dbSNP rs1036988986, ClinGen allele CA65042227.

ClinVar aggregate classification (germline): Uncertain significance (1 of 4 stars; one submission).

Allele frequency attached by ClinVar (database versions not stated): TOPMed below 0.00001.
gnomAD v4.1: 2 of 1,551,358 alleles (0.00013%); highest among the groups gnomAD compares: Admixed American, 0.0039%; no homozygotes.

Submission:

Labcorp Genetics (formerly Invitae), Labcorp
Classification: Uncertain significance. Last evaluated: 2025-08-20. Review status: criteria provided, single submitter. Criteria: Invitae Variant Classification Sherloc (09022015). Collection method: clinical testing. Allele origin: germline.
Comment: This sequence change affects codon 2065 of the UNC80 mRNA. It is a 'silent' change, meaning that it does not change the encoded amino acid sequence of the UNC80 protein. This variant is present in population databases (no rsID available, gnomAD 0.008%). This variant has not been reported in the literature in individuals affected with UNC80-related conditions. ClinVar contains an entry for this variant (Variation ID: 3010956). Algorithms developed to predict the effect of sequence changes on RNA splicing suggest that this variant may disrupt the consensus splice site. In summary, the available evidence is currently insufficient to determine the role of this variant in disease. Therefore, it has been classified as a Variant of Uncertain Significance.